The following is an entry in ClinVar:

ClinVar aggregate classification (germline): Likely pathogenic. Review status: criteria provided, multiple submitters, no conflicts (2 of 4 stars). 3 submissions from 3 submitters: Likely pathogenic (2). 1 of the submissions does not count toward it. Last evaluated 2024-07-29.

Conditions:
PNKP-related disorder. Also called: PNKP-related condition; PNKP-related disorders.

gnomAD v4.1: 7 of 1,611,464 alleles (0.00043%); highest among the groups gnomAD compares: Non-Finnish European, 0.00051%; no homozygotes.

Submissions (3):

Blueprint Genetics
Classification: Likely pathogenic for PNKP-related disorders. Last evaluated: 2024-07-29. Review status: criteria provided, single submitter. Criteria: ACMG Guidelines, 2015. Collection method: clinical testing. Allele origin: germline. Affected: yes. Observed: 1 variant allele.

GeneDx
Classification: Likely pathogenic. Last evaluated: 2021-11-10. Review status: criteria provided, single submitter. Criteria: GeneDx Variant Classification Process June 2021. Collection method: clinical testing. Allele origin: germline. Affected: yes.
Comment: Nonsense variant in the C-terminus predicted to result in protein truncation, as the last 7 amino acids are lost, and other loss-of-function variants have been reported downstream in the Human Gene Mutation Database (Stenson et al., 2014); Not observed at significant frequency in large population cohorts (Lek et al., 2016); This variant is associated with the following publications: (PMID: 31707899, 31110700, 29498415)

PreventionGenetics, part of Exact Sciences
Classification: Likely pathogenic for PNKP-related condition. Last evaluated: 2024-02-09. Review status: no assertion criteria provided. Collection method: clinical testing. Allele origin: germline. Not counted in ClinVar's aggregate classification.
Comment: The PNKP c.1545C>G variant is predicted to result in premature protein termination (p.Tyr515*). This variant has been reported in the compound heterozygous state with another loss of function variant in an individual with ataxia-oculomotor apraxia type 4 (Scholz et al. 2018. PubMed ID: 29498415). This variant is located in the final coding exon of the PNKP gene, and the resulting mRNA is not expected to undergo nonsense-mediated decay. Instead, this variant removes seven C-terminal amino acid residues, resulting in a truncated protein product. This variant is reported in 0.0018% of alleles in individuals of European (Non-Finnish) descent in gnomAD. Nonsense variants in PNKP are expected to be pathogenic. This variant is interpreted as likely pathogenic.

NM_007254.4(PNKP):c.1545C>G (p.Tyr515Ter)

Gene: PNKP (polynucleotide kinase 3'-phosphatase; minus strand). Cytogenetic location: 19q13.33.
Variant type: single nucleotide variant.
Coding change: c.1545C>G on transcript NM_007254.4 (MANE Select); coding-DNA position 1545, C replaced by G.
Protein change: p.Tyr515Ter; replaces tyrosine 515 with a stop codon.
Molecular consequence: nonsense.
Genome position (GRCh38, 1-based): chr19:49,861,269, G>C on the plus strand (C>G on the coding strand, the complement: PNKP is on the minus strand). VCF-style: chr19-49861269-G-C. GRCh37 (hg19) VCF-style: chr19-50364526-G-C.
Other names: p.Y515*:TAC>TAG; c.1545C>G (NM_007254.3); short protein forms Y515*.
Identifiers: ClinVar variation 206420 (VCV000206420.7), dbSNP rs760131892, ClinGen allele CA316517.